The following is an entry in ClinVar:

NM_001042492.3(NF1):c.5318T>C (p.Leu1773Pro)

Gene: NF1 (neurofibromin 1; plus strand). Cytogenetic location: 17q11.2.
Variant type: single nucleotide variant.
Coding change: c.5318T>C on transcript NM_001042492.3 (MANE Select); coding-DNA position 5318, T replaced by C.
Protein change: p.Leu1773Pro; replaces leucine 1773 with proline.
Molecular consequence: missense variant.
Genome position (GRCh38, 1-based): chr17:31,327,548, T>C. VCF-style: chr17-31327548-T-C. GRCh37 (hg19) VCF-style: chr17-29654566-T-C.
Other names: c.5255T>C, p.Leu1752Pro (NM_000267.4); short protein forms L1752P, L1773P.
Identifiers: ClinVar variation 825590 (VCV000825590.10), dbSNP rs1597831917, ClinGen allele CA399009113.
Genomic context (GRCh38, chr17:31,327,548, plus strand): 5'-CCACTTTCCAGGTTGGTTCTACTGCTGTCCAAGTAACTTCAGCAGAGCGAACAAAAGTCC[T>C]AGGGCAATCAGTCTTTCTAAATGACATTTATTATGCTTCGGAAATTGAAGAAATCTGCCT-3'
Protein context (NP_001035957.1, residues 1763-1783): QVTSAERTKV[Leu1773Pro]GQSVFLNDIY

ClinVar aggregate classification (germline): Conflicting classifications of pathogenicity. Review status: criteria provided, conflicting classifications (1 of 4 stars). 2 submissions from 2 submitters: Likely pathogenic (1); Uncertain significance (1). Last evaluated 2026-03-23.

Conditions:
Hereditary cancer-predisposing syndrome. Also called: Tumor predisposition; Neoplastic Syndromes, Hereditary; Hereditary neoplastic syndrome; Hereditary Cancer Syndrome. Identifiers: Orphanet 140162, MedGen C0027672, MeSH D009386, MONDO:0015356.
Cardiovascular phenotype. Identifiers: MedGen CN230736.
Neurofibromatosis, type 1 (NF1). Also called: Peripheral type neurofibromatosis; Neurofibromatosis, type I; NEUROFIBROMATOSIS, TYPE I, SOMATIC; VON RECKLINGHAUSEN DISEASE. Identifiers: Orphanet 636, MedGen C0027831, MONDO:0018975, OMIM 162200. Disease mechanism: loss of function.

gnomAD v4.1: 1 of 1,614,176 alleles (0.000062%); no homozygotes.

Submissions (2):

Ambry Genetics
Classification: Likely pathogenic for Cardiovascular phenotype; Hereditary cancer-predisposing syndrome. Last evaluated: 2026-03-23. Review status: criteria provided, single submitter. Criteria: Ambry Variant Classification Scheme 2023. Collection method: clinical testing. Allele origin: germline.
Comment: The p.L1752P variant (also known as c.5255T>C), located in coding exon 37 of the NF1 gene, results from a T to C substitution at nucleotide position 5255. The leucine at codon 1752 is replaced by proline, an amino acid with similar properties. This variant was reported in individual(s) with features consistent with neurofibromatosis type 1 (NF1) (Kim MJ et al. Korean J Pediatr, 2014 Sep;57:410-5; Ambry internal data). Of note, this alteration is also known as p.L1773P in published literature. This amino acid position is highly conserved in available vertebrate species. In addition, this alteration is predicted to be deleterious by in silico analysis. This missense variant is located in a region that has a low rate of benign missense variation (Lek M et al. Nature. 2016 Aug 18;536(7616):285-91; DECIPHER: Database of Chromosomal Imbalance and Phenotype in Humans using Ensembl Resources. Firth H.V. et al. 2009. Am.J.Hum.Genet. 84, 524-533 (DOI)). This variant is considered to be rare based on population cohorts in the Genome Aggregation Database (gnomAD). Based on the majority of available evidence to date, this variant is likely to be pathogenic.

Labcorp Genetics (formerly Invitae), Labcorp
Classification: Uncertain significance for Neurofibromatosis, type 1. Last evaluated: 2023-01-27. Review status: criteria provided, single submitter. Criteria: Invitae Variant Classification Sherloc (09022015). Collection method: clinical testing. Allele origin: germline.
Comment: This sequence change replaces leucine, which is neutral and non-polar, with proline, which is neutral and non-polar, at codon 1752 of the NF1 protein (p.Leu1752Pro). This variant is not present in population databases (gnomAD no frequency). This missense change has been observed in individual(s) with NF1-related conditions (PMID: 25324867). ClinVar contains an entry for this variant (Variation ID: 825590). Advanced modeling of protein sequence and biophysical properties (such as structural, functional, and spatial information, amino acid conservation, physicochemical variation, residue mobility, and thermodynamic stability) performed at Invitae indicates that this missense variant is expected to disrupt NF1 protein function. In summary, the available evidence is currently insufficient to determine the role of this variant in disease. Therefore, it has been classified as a Variant of Uncertain Significance.

Literature cited by the submitters: PubMed 25324867 (cited by Ambry Genetics and Labcorp Genetics (formerly Invitae), Labcorp).